The following is an entry in ClinVar:

NM_004336.5(BUB1):c.778A>C (p.Asn260His)

Gene: BUB1 (BUB1 mitotic checkpoint serine/threonine kinase; minus strand). Cytogenetic location: 2q13.
Variant type: single nucleotide variant.
Coding change: c.778A>C on transcript NM_004336.5 (MANE Select); coding-DNA position 778, A replaced by C.
Protein change: p.Asn260His; replaces asparagine 260 with histidine.
Molecular consequence: missense variant.
Genome position (GRCh38, 1-based): chr2:110,667,548, T>G on the plus strand (A>C on the coding strand, the complement: BUB1 is on the minus strand). VCF-style: chr2-110667548-T-G. GRCh37 (hg19) VCF-style: chr2-111425125-T-G.
Other names: c.718A>C, p.Asn240His (NM_001278616.2); c.778A>C, p.Asn260His (NM_001278617.2); short protein forms N240H, N260H.
Identifiers: ClinVar variation 1760626 (VCV001760626.3), dbSNP rs2468028032, ClinGen allele CA348217496.

ClinVar aggregate classification (germline): Uncertain significance (1 of 4 stars; one submission).

Submission:

Ambry Genetics
Classification: Uncertain significance. Last evaluated: 2022-04-19. Review status: criteria provided, single submitter. Criteria: Ambry Variant Classification Scheme 2023. Collection method: clinical testing. Allele origin: germline.
Comment: The p.N260H variant (also known as c.778A>C), located in coding exon 8 of the BUB1 gene, results from an A to C substitution at nucleotide position 778. The asparagine at codon 260 is replaced by histidine, an amino acid with similar properties. This amino acid position is conserved. In addition, this alteration is predicted to be tolerated by in silico analysis. Since supporting evidence is limited at this time, the clinical significance of this alteration remains unclear.